The following is an entry in ClinVar:

NM_021167.5(GATAD1):c.235G>A (p.Gly79Arg)

Genes: GATAD1 (GATA zinc finger domain containing 1; plus strand), LOC129998793 (ATAC-STARR-seq lymphoblastoid silent region 18371; plus strand). Cytogenetic location: 7q21.2.
Variant type: single nucleotide variant.
Coding change: c.235G>A on transcript NM_021167.5 (MANE Select); coding-DNA position 235, G replaced by A.
Protein change: p.Gly79Arg; replaces glycine 79 with arginine.
Molecular consequence: missense variant. On other transcripts: non-coding transcript variant (1).
Genome position (GRCh38, 1-based): chr7:92,447,964, G>A. VCF-style: chr7-92447964-G-A. GRCh37 (hg19) VCF-style: chr7-92077278-G-A.
Other names: short protein forms G79R.
Identifiers: ClinVar variation 2016429 (VCV002016429.4), dbSNP rs2484516208, ClinGen allele CA368155935.
Genomic context (GRCh38, chr7:92,447,964, plus strand): 5'-GGCTTCGGCGCGGCGACCTTCGCCAGCACCTCCGCCACCCCTCCGCAGAGCAACGGGGGC[G>A]GGGGCGGCAAGCAGGTGAGCTCCTCCGGCCCCTCCCGCCGGCGGAGGCCGACCAGGTGCT-3'
Protein context (NP_066990.3, residues 69-89): SATPPQSNGG[Gly79Arg]GGKQSKQEIH

ClinVar aggregate classification (germline): Uncertain significance (1 of 4 stars; one submission).

Conditions:
Dilated cardiomyopathy 2B. Identifiers: Orphanet 154, MedGen C3553409, MONDO:0013848, OMIM 614672.

Submission:

Labcorp Genetics (formerly Invitae), Labcorp
Classification: Uncertain significance for Dilated cardiomyopathy 2B. Last evaluated: 2022-08-17. Review status: criteria provided, single submitter. Criteria: Invitae Variant Classification Sherloc (09022015). Collection method: clinical testing. Allele origin: germline.
Comment: Algorithms developed to predict the effect of missense changes on protein structure and function are either unavailable or do not agree on the potential impact of this missense change (SIFT: "Deleterious"; PolyPhen-2: "Possibly Damaging"; Align-GVGD: "Class C15"). This variant has not been reported in the literature in individuals affected with GATAD1-related conditions. This variant is not present in population databases (gnomAD no frequency). This sequence change replaces glycine, which is neutral and non-polar, with arginine, which is basic and polar, at codon 79 of the GATAD1 protein (p.Gly79Arg). In summary, the available evidence is currently insufficient to determine the role of this variant in disease. Therefore, it has been classified as a Variant of Uncertain Significance.